The following is an entry in ClinVar:

ClinVar aggregate classification (germline): Uncertain significance. Review status: criteria provided, multiple submitters, no conflicts (2 of 4 stars). 4 submissions from 4 submitters: Uncertain significance (4). Last evaluated 2025-09-24.

Conditions:
Inborn genetic diseases. Identifiers: MedGen C0950123, MeSH D030342.
Saldino-Mainzer syndrome (SRTD9). Also called: Renal dysplasia, retinal pigmentary dystrophy, cerebellar ataxia and skeletal dysplasia; SHORT-RIB THORACIC DYSPLASIA 9 WITHOUT POLYDACTYLY; CONORENAL SYNDROME; short-rib thoracic dysplasia 9 with or without polydactyly. Identifiers: Orphanet 140969, MedGen C1849437, MONDO:0009964, OMIM 266920.
Retinitis pigmentosa 80 (RP80). Identifiers: MedGen C4540439, MONDO:0054708, OMIM 617781.

Allele frequency attached by ClinVar (database versions not stated): ExAC 0.00001; gnomAD exomes 0.00002 and 0.00003; TOPMed 0.00002; gnomAD 0.00003; ESP Exome Variant Server 0.00008.
gnomAD v4.1: 36 of 1,609,640 alleles (0.0022%); highest among the groups gnomAD compares: Admixed American, 0.01%; 1 homozygote.

Submissions (4):

Ambry Genetics
Classification: Uncertain significance for Inborn genetic diseases. Last evaluated: 2025-09-24. Review status: criteria provided, single submitter. Criteria: Ambry Variant Classification Scheme 2023. Collection method: clinical testing. Allele origin: germline.

Labcorp Genetics (formerly Invitae), Labcorp
Classification: Uncertain significance for Saldino-Mainzer syndrome. Last evaluated: 2025-03-17. Review status: criteria provided, single submitter. Criteria: Invitae Variant Classification Sherloc (09022015). Collection method: clinical testing. Allele origin: germline.
Comment: This sequence change replaces arginine, which is basic and polar, with tryptophan, which is neutral and slightly polar, at codon 1035 of the IFT140 protein (p.Arg1035Trp). This variant is present in population databases (rs141818893, gnomAD 0.009%). This variant has not been reported in the literature in individuals affected with IFT140-related conditions. ClinVar contains an entry for this variant (Variation ID: 955432). Invitae Evidence Modeling of protein sequence and biophysical properties (such as structural, functional, and spatial information, amino acid conservation, physicochemical variation, residue mobility, and thermodynamic stability) has been performed for this missense variant. However, the output from this modeling did not meet the statistical confidence thresholds required to predict the impact of this variant on IFT140 protein function. In summary, the available evidence is currently insufficient to determine the role of this variant in disease. Therefore, it has been classified as a Variant of Uncertain Significance.

Fulgent Genetics
Classification: Uncertain significance for Saldino-Mainzer syndrome; Retinitis pigmentosa 80. Last evaluated: 2024-04-03. Review status: criteria provided, single submitter. Criteria: ACMG Guidelines, 2015. Collection method: clinical testing. Allele origin: germline.

Blueprint Genetics
Classification: Uncertain significance. Last evaluated: 2021-07-28. Review status: criteria provided, single submitter. Criteria: ACMG Guidelines, 2015. Collection method: clinical testing. Allele origin: germline.

NM_014714.4(IFT140):c.3103C>T (p.Arg1035Trp)

Genes: IFT140 (intraflagellar transport 140; minus strand), LOC126862260 (CDK7 strongly-dependent group 2 enhancer GRCh37_chr16:1574508-1575707; plus strand). Cytogenetic location: 16p13.3.
Variant type: single nucleotide variant.
Coding change: c.3103C>T on transcript NM_014714.4 (MANE Select); coding-DNA position 3103, C replaced by T.
Protein change: p.Arg1035Trp; replaces arginine 1035 with tryptophan.
Molecular consequence: missense variant.
Genome position (GRCh38, 1-based): chr16:1,524,590, G>A on the plus strand (C>T on the coding strand, the complement: IFT140 is on the minus strand). VCF-style: chr16-1524590-G-A. GRCh37 (hg19) VCF-style: chr16-1574591-G-A.
Other names: short protein forms R1035W.
Identifiers: ClinVar variation 955432 (VCV000955432.16), dbSNP rs141818893, ClinGen allele CA7813316.
Genomic context (GRCh38, chr16:1,524,590, plus strand): 5'-CCCCACCCCGGGCCCGTGGTACCTTGCACAGGCGGATGGCATTCTTGAAGGCCTGTGCCC[G>A]GGTGTAGAAGTGCACCGCCTGCCCGACCTCCTCCTGGCTCTCGTACTGGCGGGCGAGGTG-3'
Protein context (NP_055529.2, residues 1025-1045): EVGQAVHFYT[Arg1035Trp]AQAFKNAIRL